The following is an entry in ClinVar:

ClinVar aggregate classification (germline): Uncertain significance (1 of 4 stars; one submission).

Conditions:
Carnitine palmitoyltransferase II deficiency. Also called: Carnitine Palmitoyltransferase 2 Deficiency. Identifiers: Orphanet 157, MedGen C0342790, MONDO:0015515.

Submission:

Labcorp Genetics (formerly Invitae), Labcorp
Classification: Uncertain significance for Carnitine palmitoyltransferase II deficiency. Last evaluated: 2025-06-12. Review status: criteria provided, single submitter. Criteria: Invitae Variant Classification Sherloc (09022015). Collection method: clinical testing. Allele origin: germline.
Comment: This sequence change replaces isoleucine, which is neutral and non-polar, with valine, which is neutral and non-polar, at codon 568 of the CPT2 protein (p.Ile568Val). This variant is not present in population databases (gnomAD no frequency). This variant has not been reported in the literature in individuals affected with CPT2-related conditions. ClinVar contains an entry for this variant (Variation ID: 2009931). Invitae Evidence Modeling of protein sequence and biophysical properties (such as structural, functional, and spatial information, amino acid conservation, physicochemical variation, residue mobility, and thermodynamic stability) indicates that this missense variant is not expected to disrupt CPT2 protein function with a negative predictive value of 80%. In summary, the available evidence is currently insufficient to determine the role of this variant in disease. Therefore, it has been classified as a Variant of Uncertain Significance.

NM_000098.3(CPT2):c.1702A>G (p.Ile568Val)

Gene: CPT2 (carnitine palmitoyltransferase 2; plus strand). Cytogenetic location: 1p32.3.
Variant type: single nucleotide variant.
Coding change: c.1702A>G on transcript NM_000098.3 (MANE Select); coding-DNA position 1702, A replaced by G.
Protein change: p.Ile568Val; replaces isoleucine 568 with valine.
Molecular consequence: missense variant.
Genome position (GRCh38, 1-based): chr1:53,213,320, A>G. VCF-style: chr1-53213320-A-G. GRCh37 (hg19) VCF-style: chr1-53678992-A-G.
Other names: c.1633A>G, p.Ile545Val (NM_001330589.2); short protein forms I568V, I545V.
Identifiers: ClinVar variation 2009931 (VCV002009931.4), dbSNP rs2525596121, ClinGen allele CA340397470.